The following is an entry in ClinVar:

ClinVar aggregate classification (germline): Likely pathogenic (3 of 4 stars; one submission).

Conditions:
Deficiency of guanidinoacetate methyltransferase (CCDS2). Also called: Guanidinoacetate Methyltransferase (GAMT) Deficiency; GAMT DEFICIENCY; CEREBRAL CREATINE DEFICIENCY SYNDROME 2. Identifiers: Orphanet 382, MedGen C0574080, MONDO:0012999, OMIM 612736.

Submission:

ClinGen Cerebral Creatine Deficiency Syndromes Variant Curation Expert Panel, ClinGen
Classification: Likely pathogenic for Deficiency of guanidinoacetate methyltransferase. Last evaluated: 2026-04-20. Review status: reviewed by expert panel. Criteria: ClinGen CCDS ACMG Specifications GAMT V2.0.0. Collection method: curation. Allele origin: germline. Inheritance: Autosomal recessive inheritance.
Comment: The NM_000156.6:c.115A>G variant in GAMT is predicted to results in the missense substitution of lysine by glutamate at amino acid 39 (p.Lys39Glu). One proband with this variant has been reported with moderate global developmental delay, increased guanidinoacetate and significantly reduced creatine in dried blood spots, and significantly decreased creatine peak on MRS (PMID:37305710) (PP4_Strong). This individual is compound heterozygous for the variant and another variant in GAMT that has been classified as pathogenic for GAMT deficiency by the ClinGen CCDS VCEP, c.328-2A>G (ClinVar Variation ID: 854099); the phase is unknown (PMID:3730571) (0.5 points) (PM3_Supporting). The variant is absent from gnomAD v4.1.0 (PM2_Supporting). The computational predictor REVEL gives a score of 0.721, evidence that correlates with impact to GAMT function at the supporting level (PMID: 36413997) (PP3). In summary, this variant meets the criteria to be classified as Likely Pathogenic for GAMT deficiency based on the GAMT-specific ACMG/AMP criteria applied, as specified by the ClinGen Cerebral Creatine Deficiency Syndromes Variant Curation Expert Panel (Specifications Version 2.0.0). PM2_Supporting, PP4_Strong, PP3, PM3_Supporting. (Classification approved by the ClinGen CCDS VCEP on April 20, 2026).

NM_000156.6(GAMT):c.115A>G (p.Lys39Glu)

Genes: GAMT (guanidinoacetate N-methyltransferase; minus strand), LOC130062945 (ATAC-STARR-seq lymphoblastoid silent region 9707; plus strand). Cytogenetic location: 19p13.3.
Variant type: single nucleotide variant.
Coding change: c.115A>G on transcript NM_000156.6 (MANE Select); coding-DNA position 115, A replaced by G.
Protein change: p.Lys39Glu; replaces lysine 39 with glutamic acid.
Molecular consequence: missense variant.
Genome position (GRCh38, 1-based): chr19:1,401,362, T>C on the plus strand (A>G on the coding strand, the complement: GAMT is on the minus strand). VCF-style: chr19-1401362-T-C. GRCh37 (hg19) VCF-style: chr19-1401361-T-C.
Other names: NM_138924.3:c.115A>G; c.115A>G, p.Lys39Glu (NM_138924.3); short protein forms K39E.
Identifiers: ClinVar variation 2683727 (VCV002683727.2), dbSNP rs2144641138, ClinGen allele CA402998134.
Genomic context (GRCh38, chr19:1,401,362, plus strand): 5'-AGGAGGCGGCGGCGGCCAGCGCGTGCATATAGGGGGTCTCCCAGCGCTCCATCACCGGCT[T>C]GCCCAGGATGCGCAGGTGCGTGTCCGCTGCGTCGTAGGCCGCGGGCGCCGCCCCCCACGC-3'
Protein context (NP_000147.1, residues 29-49): AADTHLRILG[Lys39Glu]PVMERWETPY